The following is an entry in ClinVar:

ClinVar aggregate classification (germline): Benign/Likely benign. Review status: criteria provided, multiple submitters, no conflicts (2 of 4 stars). 4 submissions from 4 submitters: Benign (2); Likely benign (1). 1 of the submissions does not count toward it. Last evaluated 2026-09-01.

Conditions:
TRIO-related disorder. Also called: TRIO-related disorders; TRIO-related condition.

Allele frequency attached by ClinVar (database versions not stated): ESP Exome Variant Server 0.00008; gnomAD 0.00019; 1000 Genomes Project 0.00020; 1000 Genomes Project 30x 0.00031; TOPMed 0.00037; ExAC 0.00072; gnomAD exomes 0.00079.
gnomAD v4.1: 266 of 1,614,124 alleles (0.016%); highest among the groups gnomAD compares: Admixed American, 0.36%; 1 homozygote.

Submissions (4):

CeGaT Center for Human Genetics Tuebingen
Classification: Likely benign. Last evaluated: 2026-09-01. Review status: criteria provided, single submitter. Criteria: CeGaT Center For Human Genetics Tuebingen Variant Classification Criteria Version 2. Collection method: clinical testing. Allele origin: germline. Affected: yes. Observed: 3 variant alleles.
Comment: TRIO: BP4, BP7

Labcorp Genetics (formerly Invitae), Labcorp
Classification: Benign. Last evaluated: 2019-12-31. Review status: criteria provided, single submitter. Criteria: Invitae Variant Classification Sherloc (09022015). Collection method: clinical testing. Allele origin: germline.

GeneDx
Classification: Benign. Last evaluated: 2019-12-17. Review status: criteria provided, single submitter. Criteria: GeneDx Variant Classification Process June 2021. Collection method: clinical testing. Allele origin: germline. Affected: yes.

PreventionGenetics, part of Exact Sciences
Classification: Benign for TRIO-related condition. Last evaluated: 2019-05-31. Review status: no assertion criteria provided. Collection method: clinical testing. Allele origin: germline. Not counted in ClinVar's aggregate classification.
Comment: This variant is classified as benign based on ACMG/AMP sequence variant interpretation guidelines (Richards et al. 2015 PMID: 25741868, with internal and published modifications).

NM_007118.4(TRIO):c.7800C>T (p.Pro2600=)

Gene: TRIO (trio Rho guanine nucleotide exchange factor; plus strand). Cytogenetic location: 5p15.2.
Variant type: single nucleotide variant.
Coding change: c.7800C>T on transcript NM_007118.4 (MANE Select); coding-DNA position 7800, C replaced by T.
Protein change: p.Pro2600=; no amino-acid change (proline 2600 retained).
Molecular consequence: synonymous variant. On other transcripts: non-coding transcript variant (1).
Genome position (GRCh38, 1-based): chr5:14,492,734, C>T. VCF-style: chr5-14492734-C-T. GRCh37 (hg19) VCF-style: chr5-14492843-C-T.
Identifiers: ClinVar variation 724206 (VCV000724206.14), dbSNP rs147014315, ClinGen allele CA3207619.